The following is an entry in ClinVar:

NM_005094.4(SLC27A4):c.1322dup (p.Gly442fs)

Gene: SLC27A4 (solute carrier family 27 member 4; plus strand). Cytogenetic location: 9q34.11.
Variant type: Duplication.
Coding change: c.1322dup on transcript NM_005094.4 (MANE Select); coding-DNA position 1322, one base duplicated (C; older notation c.1322dupC).
Protein change: p.Gly442fs; shifts the reading frame from glycine 442.
Molecular consequence: frameshift variant.
Genome position (GRCh38, 1-based): chr9:128,353,539, C duplicated; the last of 2 consecutive C bases (chr9:128,353,538-128,353,539); duplicating either gives the same sequence. VCF-style (leftmost placement, unchanged base first): chr9-128353537-G-GC. GRCh37 (hg19) VCF-style: chr9-131115816-G-GC.
Other names: DUP, NT1322 (rs746178942); short protein forms G442fs.
Identifiers: ClinVar variation 1171022 (VCV001171022.6), dbSNP rs746178942, ClinGen allele CA5261249.
Genomic context (GRCh38, chr9:128,353,537, plus strand): 5'-TGTCAACGAGGACACCATGGAGCTGATCCGGGGGCCCGACGGCGTCTGCATTCCCTGCCA[G>GC]CCAGGTCTGCCACTTCGGGGTCAGAGAGGGAGGGGTTGGCCTGGGAAGGAAGGAGGCCAG-3'

ClinVar aggregate classification (germline): Pathogenic. Review status: criteria provided, single submitter (1 of 4 stars). 2 submissions from 2 submitters: Pathogenic (1). 1 of the submissions does not count toward it. Last evaluated 2026-01-09.

Conditions:
Ichthyosis prematurity syndrome (IPS). Also called: ICHTHYOSIS CONGENITA IV. Identifiers: Orphanet 88621, MedGen C1837610, MONDO:0012089, OMIM 608649.

Submissions (2):

Labcorp Genetics (formerly Invitae), Labcorp
Classification: Pathogenic. Last evaluated: 2026-01-09. Review status: criteria provided, single submitter. Criteria: Invitae Variant Classification Sherloc (09022015). Collection method: clinical testing. Allele origin: germline.
Comment: This sequence change creates a premature translational stop signal (p.Gly442Argfs*2) in the SLC27A4 gene. It is expected to result in an absent or disrupted protein product. Loss-of-function variants in SLC27A4 are known to be pathogenic (PMID: 19631310, 21450060). This variant is present in population databases (rs746178942, gnomAD 0.003%). This premature translational stop signal has been observed in individual(s) with SLC27A4-related conditions (PMID: 30536735, 31681265). ClinVar contains an entry for this variant (Variation ID: 1171022). For these reasons, this variant has been classified as Pathogenic.

OMIM
Classification: Pathogenic for ICHTHYOSIS PREMATURITY SYNDROME. Last evaluated: 2021-08-17. Review status: no assertion criteria provided. Collection method: literature only. Allele origin: germline. Not counted in ClinVar's aggregate classification.

Literature cited by the submitters: PubMed 19631310 (cited by Labcorp Genetics (formerly Invitae), Labcorp); PubMed 21450060 (cited by Labcorp Genetics (formerly Invitae), Labcorp); PubMed 30536735 (cited by Labcorp Genetics (formerly Invitae), Labcorp and OMIM); PubMed 31681265 (cited by Labcorp Genetics (formerly Invitae), Labcorp).